The following is an entry in ClinVar:

NM_000302.4(PLOD1):c.241C>G (p.Leu81Val)

Gene: PLOD1 (procollagen-lysine,2-oxoglutarate 5-dioxygenase 1; plus strand). Cytogenetic location: 1p36.22.
Variant type: single nucleotide variant.
Coding change: c.241C>G on transcript NM_000302.4 (MANE Select); coding-DNA position 241, C replaced by G.
Protein change: p.Leu81Val; replaces leucine 81 with valine.
Molecular consequence: missense variant.
Genome position (GRCh38, 1-based): chr1:11,949,845, C>G. VCF-style: chr1-11949845-C-G. GRCh37 (hg19) VCF-style: chr1-12009902-C-G.
Other names: c.382C>G, p.Leu128Val (NM_001316320.2); short protein forms L128V, L81V.
Identifiers: ClinVar variation 653085 (VCV000653085.9), dbSNP rs1348207190, ClinGen allele CA338426312.
Genomic context (GRCh38, chr1:11,949,845, plus strand): 5'-GGGGAGGACTGGAATGTGGAGAAGGGGACGTCGGCAGGTGGAGGGCAGAAGGTCCGGCTG[C>G]TGAAGAAAGCTCTGGAGAAGCACGCAGACAAGGAGGATCTGGTCATTCTCTTCGCAGACA-3'
Protein context (NP_000293.2, residues 71-91): SAGGGQKVRL[Leu81Val]KKALEKHADK

ClinVar aggregate classification (germline): Uncertain significance (1 of 4 stars; one submission).

Conditions:
Ehlers-Danlos syndrome, kyphoscoliotic type 1 (EDSKSCL1). Also called: PLOD1-Related Kyphoscoliotic Ehlers-Danlos Syndrome; EHLERS-DANLOS SYNDROME, TYPE VIA; EHLERS-DANLOS SYNDROME, OCULAR-SCOLIOTIC TYPE; Ehlers-Danlos syndrome, hydroxylysine-deficient. Identifiers: Orphanet 1900, MedGen C0268342, MONDO:0016002, OMIM 225400. Disease mechanism: loss of function.

Allele frequency attached by ClinVar (database versions not stated): gnomAD exomes below 0.00001.
gnomAD v4.1: 6 of 1,614,046 alleles (0.00037%); highest among the groups gnomAD compares: Non-Finnish European, 0.00051%; no homozygotes.

Submission:

Labcorp Genetics (formerly Invitae), Labcorp
Classification: Uncertain significance for Ehlers-Danlos syndrome, kyphoscoliotic type 1. Last evaluated: 2021-08-23. Review status: criteria provided, single submitter. Criteria: Invitae Variant Classification Sherloc (09022015). Collection method: clinical testing. Allele origin: germline.
Comment: This variant is not present in population databases (ExAC no frequency). This sequence change replaces leucine with valine at codon 81 of the PLOD1 protein (p.Leu81Val). The leucine residue is highly conserved and there is a small physicochemical difference between leucine and valine. This variant has not been reported in the literature in individuals with PLOD1-related disease. In summary, the available evidence is currently insufficient to determine the role of this variant in disease. Therefore, it has been classified as a Variant of Uncertain Significance. Algorithms developed to predict the effect of sequence changes on RNA splicing suggest that this variant may create or strengthen a splice site, but this prediction has not been confirmed by published transcriptional studies. Algorithms developed to predict the effect of missense changes on protein structure and function are either unavailable or do not agree on the potential impact of this missense change (SIFT: "Deleterious"; PolyPhen-2: "Benign"; Align-GVGD: "Class C0").